The following is an entry in ClinVar:

ClinVar aggregate classification (germline): Pathogenic (0 of 4 stars; one submission).

Conditions:
Pyruvate dehydrogenase E1-alpha deficiency (PDHAD). Also called: ATAXIA, INTERMITTENT, WITH PYRUVATE DEHYDROGENASE DEFICIENCY; ATAXIA WITH LACTIC ACIDOSIS I; ATAXIA, INTERMITTENT, WITH ABNORMAL PYRUVATE METABOLISM; Ataxia, intermittent, with pyruvate dehydrogenase, or decarboxylase, deficiency. Identifiers: Orphanet 79243, MedGen C1839413, MONDO:0010717, OMIM 312170.

Submission:

PDHA1 Study Group, University Children’s Hospital, Paracelsus Medical University
Classification: Pathogenic for Pyruvate dehydrogenase E1-alpha deficiency. Last evaluated: 2024-10-15. Review status: no assertion criteria provided. Collection method: research. Allele origin: de novo. Affected: yes. Observed: 1 variant allele.
Comment: The NM_000284.3:c.939_950del (p.Lys313_Ile317delinsAsn) change is a deletion-insertion (delins) variant in PDHA1 gene. Among them, 1 case had confirmed de novo occurrence. Last literature search: July 12, 2024. This variant is absent or extremely rare in population-based cohorts in the Genome Aggregation Database (gnomAD). Individuals harboring this variant presented with clinical features compatible with PDHA1-related PDHc deficiency. In summary, this variant meets criteria to be classified as pathogenic (P) for PDHA1-related PDHc deficiency based on the ACMG/AMP criteria applied: PS2, PM1, PM2, PM4 (last assessment October 15, 2024).

Literature cited by the submitters: DOI 10.1093/brain/awaf430.

NM_000284.4(PDHA1):c.939_950del (p.Lys313_Ile317delinsAsn)

Gene: PDHA1 (pyruvate dehydrogenase E1 subunit alpha 1; plus strand). Cytogenetic location: Xp22.12.
Variant type: Deletion.
Coding change: c.939_950del on transcript NM_000284.4 (MANE Select); coding-DNA positions 939 to 950, 12 bases deleted (GAGTGACCCTAT).
Protein change: p.Lys313_Ile317delinsAsn.
Molecular consequence: inframe indel.
Genome position (GRCh38, 1-based): chrX:19,358,955-19,358,966, GAGTGACCCTAT deleted. VCF-style (leftmost placement, unchanged base first): chrX-19358954-AGAGTGACCCTAT-A. GRCh37 (hg19) VCF-style: chrX-19377072-AGAGTGACCCTAT-A.
Other names: c.1053_1064del, p.Lys351_Ile355delinsAsn (NM_001173454.2); c.960_971del, p.Lys320_Ile324delinsAsn (NM_001173455.2); c.846_857del, p.Lys282_Ile286delinsAsn (NM_001173456.2).
Identifiers: ClinVar variation 4070406 (VCV004070406.1).